The following is an entry in ClinVar:

NM_001004127.3(ALG11):c.1123_1126del (p.Asn375fs)

Genes: ALG11 (ALG11 alpha-1,2-mannosyltransferase; plus strand), UTP14C (UTP14C small subunit processome component; plus strand). Cytogenetic location: 13q14.3.
Variant type: Deletion.
Coding change: c.1123_1126del on transcript NM_001004127.3 (MANE Select); coding-DNA positions 1123 to 1126, 4 bases deleted (AACA; older notation c.1123_1126delAACA).
Protein change: p.Asn375fs; shifts the reading frame from asparagine 375.
Molecular consequence: frameshift variant. On other transcripts: 5 prime UTR variant (1).
Genome position (GRCh38, 1-based): chr13:52,024,853-52,024,856, AACA deleted; deleting any 4 consecutive bases within chr13:52,024,852-52,024,856 gives the same sequence; the c. name uses the placement nearest the transcript's 3' end. VCF-style (leftmost placement, unchanged base first): chr13-52024851-TAAAC-T. GRCh37 (hg19) VCF-style: chr13-52598987-TAAAC-T.
Other names: c.-571_-568del (NM_021645.6); short protein forms N375fs.
Identifiers: ClinVar variation 280305 (VCV000280305.2), dbSNP rs886041534, ClinGen allele CA10603194.

ClinVar aggregate classification (germline): Pathogenic (1 of 4 stars; one submission).

Submission:

GeneDx
Classification: Pathogenic. Last evaluated: 2016-01-26. Review status: criteria provided, single submitter. Criteria: GeneDx Variant Classification (06012015). Collection method: clinical testing. Allele origin: germline. Affected: yes.
Comment: The c.1123_1126delAACA pathogenic variant in the ALG11 gene has not been reported previously as a pathogenic variant nor as a benign variant, to our knowledge. This variant causes a frameshift starting with codon Asparagine 375, changes this amino acid to a Phenylalanine residue, and creates a premature Stop codon at position 6 of the new reading frame, denoted p.Asn375PheX6. This variant is predicted to cause loss of normal protein function either through protein truncation or nonsense-mediated mRNA decay. The c.1123_1126delAACA variant was not observed in approximately 6500 individuals of European and African American ancestry in the NHLBI Exome Sequencing Project, indicating it is not a common benign variant in these populations. We interpret c.1123_1126delAACA as a pathogenic variant.